The following is an entry in ClinVar:

ClinVar aggregate classification (germline): Uncertain significance (1 of 4 stars; one submission).

Conditions:
Hereditary cancer-predisposing syndrome. Also called: Hereditary Cancer Syndrome; Hereditary neoplastic syndrome; Neoplastic Syndromes, Hereditary; Tumor predisposition. Identifiers: Orphanet 140162, MedGen C0027672, MeSH D009386, MONDO:0015356.

Submission:

Ambry Genetics
Classification: Uncertain significance for Hereditary cancer-predisposing syndrome. Last evaluated: 2025-06-16. Review status: criteria provided, single submitter. Criteria: Ambry Variant Classification Scheme 2023. Collection method: clinical testing. Allele origin: germline.
Comment: The p.K189E variant (also known as c.565A>G), located in coding exon 2 of the CDKN1B gene, results from an A to G substitution at nucleotide position 565. The lysine at codon 189 is replaced by glutamic acid, an amino acid with similar properties. This amino acid position is conserved. In addition, this alteration is predicted to be tolerated by in silico analysis. Based on the available evidence, the clinical significance of this variant remains unclear.

NM_004064.5(CDKN1B):c.565A>G (p.Lys189Glu)

Gene: CDKN1B (cyclin dependent kinase inhibitor 1B; plus strand). Cytogenetic location: 12p13.1.
Variant type: single nucleotide variant.
Coding change: c.565A>G on transcript NM_004064.5 (MANE Select); coding-DNA position 565, A replaced by G.
Protein change: p.Lys189Glu; replaces lysine 189 with glutamic acid.
Molecular consequence: missense variant.
Genome position (GRCh38, 1-based): chr12:12,718,914, A>G. VCF-style: chr12-12718914-A-G. GRCh37 (hg19) VCF-style: chr12-12871848-A-G.
Other names: short protein forms K189E.
Identifiers: ClinVar variation 4224742 (VCV004224742.1).